The following is an entry in ClinVar:

NM_001127198.5(TMC6):c.1112G>A (p.Arg371Gln)

Gene: TMC6 (transmembrane channel like 6; minus strand). Cytogenetic location: 17q25.3.
Variant type: single nucleotide variant.
Coding change: c.1112G>A on transcript NM_001127198.5 (MANE Select); coding-DNA position 1112, G replaced by A.
Protein change: p.Arg371Gln; replaces arginine 371 with glutamine.
Molecular consequence: missense variant. On other transcripts: non-coding transcript variant (4).
Genome position (GRCh38, 1-based): chr17:78,122,720, C>T on the plus strand (G>A on the coding strand, the complement: TMC6 is on the minus strand). VCF-style: chr17-78122720-C-T. GRCh37 (hg19) VCF-style: chr17-76118801-C-T.
Other names: c.1112G>A, p.Arg371Gln (NM_001321185.1, NM_001374593.1, NM_001374594.1 and 4 more transcripts); short protein forms R371Q.
Identifiers: ClinVar variation 2162384 (VCV002162384.2), dbSNP rs773268528, ClinGen allele CA294352499.

ClinVar aggregate classification (germline): Uncertain significance. Review status: criteria provided, multiple submitters, no conflicts (2 of 4 stars). 2 submissions from 2 submitters: Uncertain significance (2). Last evaluated 2025-07-14.

Conditions:
Epidermodysplasia verruciformis. Identifiers: Orphanet 302, MedGen C0014522, MONDO:0009176.
Inborn genetic diseases. Identifiers: MedGen C0950123, MeSH D030342.

Allele frequency attached by ClinVar (database versions not stated): gnomAD exomes 0.00002.

Submissions (2):

Ambry Genetics
Classification: Uncertain significance for Inborn genetic diseases. Last evaluated: 2025-07-14. Review status: criteria provided, single submitter. Criteria: Ambry Variant Classification Scheme 2023. Collection method: clinical testing. Allele origin: germline.

Labcorp Genetics (formerly Invitae), Labcorp
Classification: Uncertain significance for Epidermodysplasia verruciformis. Last evaluated: 2022-05-10. Review status: criteria provided, single submitter. Criteria: Invitae Variant Classification Sherloc (09022015). Collection method: clinical testing. Allele origin: germline.
Comment: This sequence change replaces arginine, which is basic and polar, with glutamine, which is neutral and polar, at codon 371 of the TMC6 protein (p.Arg371Gln). This variant is present in population databases (no rsID available, gnomAD 0.006%). This variant has not been reported in the literature in individuals affected with TMC6-related conditions. Algorithms developed to predict the effect of missense changes on protein structure and function output the following: SIFT: "Not Available"; PolyPhen-2: "Benign"; Align-GVGD: "Not Available". The glutamine amino acid residue is found in multiple mammalian species, which suggests that this missense change does not adversely affect protein function. In summary, the available evidence is currently insufficient to determine the role of this variant in disease. Therefore, it has been classified as a Variant of Uncertain Significance.